The following is an entry in ClinVar:

ClinVar aggregate classification (germline): Uncertain significance (1 of 4 stars; one submission).

Submission:

Ambry Genetics
Classification: Uncertain significance. Last evaluated: 2025-03-30. Review status: criteria provided, single submitter. Criteria: Ambry Variant Classification Scheme 2023. Collection method: clinical testing. Allele origin: germline.
Comment: The p.K111E variant (also known as c.331A>G), located in coding exon 2 of the GEN1 gene, results from an A to G substitution at nucleotide position 331. The lysine at codon 111 is replaced by glutamic acid, an amino acid with similar properties. This amino acid position is conserved. In addition, this alteration is predicted to be tolerated by in silico analysis. Based on the available evidence, the clinical significance of this variant remains unclear.

NM_001130009.3(GEN1):c.331A>G (p.Lys111Glu)

Gene: GEN1 (GEN1 Holliday junction 5' flap endonuclease; plus strand). Cytogenetic location: 2p24.2.
Variant type: single nucleotide variant.
Coding change: c.331A>G on transcript NM_001130009.3 (MANE Select); coding-DNA position 331, A replaced by G.
Protein change: p.Lys111Glu; replaces lysine 111 with glutamic acid.
Molecular consequence: missense variant.
Genome position (GRCh38, 1-based): chr2:17,761,565, A>G. VCF-style: chr2-17761565-A-G. GRCh37 (hg19) VCF-style: chr2-17942832-A-G.
Other names: c.331A>G, p.Lys111Glu (NM_182625.5); short protein forms K111E.
Identifiers: ClinVar variation 4029184 (VCV004029184.1).